The following is an entry in ClinVar:

NM_013336.4(SEC61A1):c.859T>C (p.Ser287Pro)

Genes: RUVBL1 (RuvB like AAA ATPase 1; minus strand), SEC61A1 (SEC61 translocon subunit alpha 1; plus strand). Cytogenetic location: 3q21.3.
Variant type: single nucleotide variant.
Coding change: c.859T>C on transcript NM_013336.4 (MANE Select); coding-DNA position 859, T replaced by C.
Protein change: p.Ser287Pro; replaces serine 287 with proline.
Molecular consequence: missense variant. On other transcripts: intron variant (1).
Genome position (GRCh38, 1-based): chr3:128,067,035, T>C. VCF-style: chr3-128067035-T-C. GRCh37 (hg19) VCF-style: chr3-127785878-T-C.
Other names: c.877T>C, p.Ser293Pro (NM_001400328.1); c.700T>C, p.Ser234Pro (NM_001400329.1); c.940-1815A>G (NM_001319086.1); short protein forms S293P, S234P, S287P.
Identifiers: ClinVar variation 2797424 (VCV002797424.3), dbSNP rs2473043417, ClinGen allele CA354399584.
Genomic context (GRCh38, chr3:128,067,035, plus strand): 5'-ATCAAGTCGGCCCGCTACCGTGGCCAGTACAACACCTATCCCATCAAGCTCTTCTATACG[T>C]CCAACATCCCCATCATCCTGCAGTCTGCCCTGGTGTCCAACCTTTATGTCATCTCCCAAA-3'
Protein context (NP_037468.1, residues 277-297): NTYPIKLFYT[Ser287Pro]NIPIILQSAL

ClinVar aggregate classification (germline): Uncertain significance (1 of 4 stars; one submission).

Submission:

Labcorp Genetics (formerly Invitae), Labcorp
Classification: Uncertain significance. Last evaluated: 2024-01-11. Review status: criteria provided, single submitter. Criteria: Invitae Variant Classification Sherloc (09022015). Collection method: clinical testing. Allele origin: germline.
Comment: This sequence change replaces serine, which is neutral and polar, with proline, which is neutral and non-polar, at codon 287 of the SEC61A1 protein (p.Ser287Pro). This variant is not present in population databases (gnomAD no frequency). This variant has not been reported in the literature in individuals affected with SEC61A1-related conditions. Advanced modeling of protein sequence and biophysical properties (such as structural, functional, and spatial information, amino acid conservation, physicochemical variation, residue mobility, and thermodynamic stability) performed at Invitae indicates that this missense variant is expected to disrupt SEC61A1 protein function with a positive predictive value of 80%. In summary, the available evidence is currently insufficient to determine the role of this variant in disease. Therefore, it has been classified as a Variant of Uncertain Significance.